The following is an entry in ClinVar:

ClinVar aggregate classification (germline): Conflicting classifications of pathogenicity. Review status: criteria provided, conflicting classifications (1 of 4 stars). 16 submissions from 16 submitters: Uncertain significance (6); Benign (2); Likely benign (6). 2 of the submissions do not count toward it. Last evaluated 2026-01-27.

Conditions:
Deafness-lymphedema-leukemia syndrome. Also called: Lymphedema, primary, with myelodysplasia; Emberger syndrome. Identifiers: Orphanet 3226, MedGen C3279664, MONDO:0013540, OMIM 614038.
Inborn genetic diseases. Identifiers: MedGen C0950123, MeSH D030342.
Hereditary cancer-predisposing syndrome. Also called: Tumor predisposition; Hereditary Cancer Syndrome; Neoplastic Syndromes, Hereditary; Hereditary neoplastic syndrome. Identifiers: Orphanet 140162, MedGen C0027672, MeSH D009386, MONDO:0015356.
Monocytopenia with susceptibility to infections. Also called: MONOCYTOPENIA AND MYCOBACTERIAL INFECTION SYNDROME; MONOCYTOPENIA WITH SUSCEPTIBILITY TO MYCOBACTERIAL, FUNGAL, AND PAPILLOMAVIRUS INFECTIONS AND MYELODYSPLASIA; COMBINED IMMUNODEFICIENCY WITH SUSCEPTIBILITY TO MYCOBACTERIAL, VIRAL, AND FUNGAL INFECTIONS; Dendritic cell, monocyte, B lymphocyte, and natural killer lymphocyte deficiency; IMMUNODEFICIENCY 21; GATA2 DEFICIENCY. Identifiers: Orphanet 228423, MedGen C3280030, MONDO:0013607, OMIM 614172.
GATA2-related disorder. Also called: GATA2-Related Disorders; GATA2-related condition.

Allele frequency attached by ClinVar (database versions not stated): TOPMed 0.00053; gnomAD exomes 0.00062; gnomAD 0.00064; ESP Exome Variant Server 0.00069; ExAC 0.00081.

Submissions (16):

Labcorp Genetics (formerly Invitae), Labcorp
Classification: Likely benign for Monocytopenia with susceptibility to infections; Deafness-lymphedema-leukemia syndrome. Last evaluated: 2026-01-27. Review status: criteria provided, single submitter. Criteria: Invitae Variant Classification Sherloc (09022015). Collection method: clinical testing. Allele origin: germline.

PreventionGenetics, part of Exact Sciences
Classification: Uncertain significance for GATA2-related condition. Last evaluated: 2026-01-14. Review status: criteria provided, single submitter. Criteria: ACMG Guidelines, 2015. Collection method: clinical testing. Allele origin: germline.
Comment: The GATA2 c.121C>G variant is predicted to result in the amino acid substitution p.Pro41Ala. This variant has been reported in an individual with myelodysplastic syndrome (Holme et al. 2012. PubMed ID: 22533337), as well as in an individual with leukopenia characterized by moderate neutropenia and B cell deficiency (Kager et al. 2018. PubMed ID: 29797310); however not enough information was provided in either report to establish pathogenicity. It has also been reported in an individual with head and neck cancer and in an individual with acute promyelocytic leukemia (Yndestad et al. 2024. PubMed ID: 39037077; An et al. 2023. CAP Today. July 2023 Issue). This variant was also observed in an individual with hypereosinophilia and was interpreted as likely benign (Table 1, Drazer et al. 2018. PubMed ID: 29365323). This variant is reported in 0.11% of alleles in individuals of European (non-Finnish) descent in gnomAD and has conflicting interpretations regarding its pathogenicity in ClinVar, ranging from likely benign to uncertain (Variation ID: 241716). Although we suspect this variant is benign, at this time, the clinical significance of this variant is uncertain due to the absence of conclusive functional and genetic evidence.

Center for Genomic Medicine, Rigshospitalet, Copenhagen University Hospital
Classification: Uncertain significance. Last evaluated: 2025-12-29. Review status: criteria provided, single submitter. Criteria: ACMG Guidelines, 2015. Collection method: clinical testing. Allele origin: germline.

GeneDx
Classification: Uncertain significance. Last evaluated: 2025-05-06. Review status: criteria provided, single submitter. Criteria: GeneDx Variant Classification Process June 2021. Collection method: clinical testing. Allele origin: germline. Affected: yes.
Comment: In silico analysis supports that this missense variant has a deleterious effect on protein structure/function; Observed in individuals with personal and/or family history of hematologic disease, as well as in a pediatric patient with rhabdomyosarcoma (PMID: 22533337, 29365323, 29797310, 39037077); This variant is associated with the following publications: (PMID: 29797310, 31256874, 24754962, 25624456, 29365323, 27930734, 22533337, 33386779, 26445707, 39037077)

Laboratory of Genetics, Children's Clinical University Hospital Latvia
Classification: Likely benign. Last evaluated: 2025-02-16. Review status: criteria provided, single submitter. Criteria: ACMG Guidelines, 2015. Collection method: clinical testing. Allele origin: germline. Affected: yes.

Mayo Clinic Laboratories, Mayo Clinic
Classification: Likely benign. Last evaluated: 2025-01-31. Review status: criteria provided, single submitter. Criteria: ACMG Guidelines, 2015. Collection method: clinical testing. Allele origin: germline. Observed: 5 variant alleles.
Comment: BS1, PP3

Blueprint Genetics
Classification: Likely benign. Last evaluated: 2024-11-22. Review status: criteria provided, single submitter. Criteria: ACMG Guidelines, 2015. Collection method: clinical testing. Allele origin: germline.

Clinical Genomics Laboratory, Washington University in St. Louis
Classification: Uncertain significance for Deafness-lymphedema-leukemia syndrome. Last evaluated: 2024-10-31. Review status: criteria provided, single submitter. Criteria: ACMG Guidelines, 2015. Collection method: clinical testing. Allele origin: germline.
Comment: A GATA2 c.121C>G (p.Pro41Ala) variant was identified at a near heterozygous allelic fraction of 49.58%, a frequency which may be consistent with it being of germline origin. This variant has been reported in a germline state in one individual affected with pediatric soft tissue sarcoma (Yndestad S et al., PMID: 39037077) and in three individuals affected with hematologic conditions (Kager L et al., PMID: 29797310; Drazer MW et al., PMID: 29365323; Holme H et al., PMID: 22533337). The GATA2 c.121C>G (p.Pro41Ala) variant has been reported in the ClinVar database with conflicting classifications of pathogenicity (uncertain significance by 3 submitters; likely benign by 3 submitters and benign by 1 submitter). The highest population minor allele frequency in the population database genome aggregation database (v4.1.0) is 0.1080% in the European (Finnish) population. Computational predictors indicate that the variant is damaging, evidence that correlates with impact to GATA2 function. Due to limited information, and based on ACMG/AMP guidelines for variant interpretation (Richards S et al., PMID: 25741868), this variant classified as being of uncertain clinical significance.

Ambry Genetics
Classification: Benign for Inborn genetic diseases. Last evaluated: 2024-08-20. Review status: criteria provided, single submitter. Criteria: Ambry Variant Classification Scheme 2023. Collection method: clinical testing. Allele origin: germline.

Johns Hopkins Genomics, Johns Hopkins University
Classification: Likely benign for Monocytopenia with susceptibility to infections. Last evaluated: 2023-07-07. Review status: criteria provided, single submitter. Criteria: ACMG Guidelines, 2015. Collection method: clinical testing. Allele origin: germline.

CeGaT Center for Human Genetics Tuebingen
Classification: Benign. Last evaluated: 2022-06-01. Review status: criteria provided, single submitter. Criteria: CeGaT Center For Human Genetics Tuebingen Variant Classification Criteria Version 2. Collection method: clinical testing. Allele origin: germline. Affected: yes. Observed: 1 variant allele.
Comment: GATA2: BS1, BS2

Sema4
Classification: Uncertain significance for Hereditary cancer-predisposing syndrome. Last evaluated: 2021-07-14. Review status: criteria provided, single submitter. Criteria: Sema4 Curation Guidelines. Collection method: curation. Allele origin: germline.
Comment: The GATA2 c.121C>G (p.P41A) variant has been reported in heterozygosity in at least one individual with myelodysplastic syndrome and at least one individual with leucopenia and GATA2 deficiency (PMID: 22533337, 29797310). It was observed in 135/125510 chromosomes, including 0 homozygotes, in the Non-Finnish European subpopulation in the Genome Aggregation Database (PMID: 32461654). The variant has been reported in ClinVar (Variation ID: 241716). In silico tools suggest the impact of the variant on protein function is deleterious, though these predictions have not been confirmed by functional studies. The evidence is insufficient to meet ACMG/AMP criteria for classifying the variant as benign or pathogenic. Thus, the clinical significance of this variant is currently uncertain.

Genetic Services Laboratory, University of Chicago
Classification: Likely benign. Last evaluated: 2019-06-28. Review status: criteria provided, single submitter. Criteria: ACMG Guidelines, 2015. Collection method: clinical testing. Allele origin: germline. Affected: no.

Illumina Laboratory Services, Illumina
Classification: Uncertain significance for Deafness-lymphedema-leukemia syndrome. Last evaluated: 2017-04-27. Review status: criteria provided, single submitter. Criteria: ICSL Variant Classification Criteria 13 December 2019. Collection method: clinical testing. Allele origin: germline.
Comment: This variant was observed as part of a predisposition screen in an ostensibly healthy population. A literature search was performed for the gene, cDNA change, and amino acid change (where applicable). Publications were found based on this search. However, the evidence from the literature, in combination with allele frequency data from public databases where available, was not sufficient to rule this variant in or out of causing disease. Therefore, this variant is classified as a variant of unknown significance.

Clinical Genetics DNA and cytogenetics Diagnostics Lab, Erasmus MC, Erasmus Medical Center
Classification: Uncertain significance. Review status: no assertion criteria provided. Collection method: clinical testing. Allele origin: germline. Affected: yes. Study: VKGL Data-share Consensus. Not counted in ClinVar's aggregate classification.

Joint Genome Diagnostic Labs from Nijmegen and Maastricht, Radboudumc and MUMC+
Classification: Uncertain significance. Review status: no assertion criteria provided. Collection method: clinical testing. Allele origin: germline. Affected: yes. Study: VKGL Data-share Consensus. Not counted in ClinVar's aggregate classification.

Literature cited by the submitters: PubMed 24754962 (cited by Center for Genomic Medicine, Rigshospitalet, Copenhagen University Hospital and Illumina Laboratory Services, Illumina); PubMed 22533337 (cited by 5 submitters); PubMed 29797310 (cited by 3 submitters); PubMed 21670465 (cited by Johns Hopkins Genomics, Johns Hopkins University); PubMed 29365323 (cited by Johns Hopkins Genomics, Johns Hopkins University); PubMed 26445707 (cited by Illumina Laboratory Services, Illumina).

NM_032638.5(GATA2):c.121C>G (p.Pro41Ala)

Gene: GATA2 (GATA binding protein 2; minus strand). Cytogenetic location: 3q21.3.
Variant type: single nucleotide variant.
Coding change: c.121C>G on transcript NM_032638.5 (MANE Select); coding-DNA position 121, C replaced by G.
Protein change: p.Pro41Ala; replaces proline 41 with alanine.
Molecular consequence: missense variant.
Genome position (GRCh38, 1-based): chr3:128,486,911, G>C on the plus strand (C>G on the coding strand, the complement: GATA2 is on the minus strand). VCF-style: chr3-128486911-G-C. GRCh37 (hg19) VCF-style: chr3-128205754-G-C.
Other names: p.Pro41Ala; c.121C>G, p.Pro41Ala (NM_001145661.2, NM_001145662.1); short protein forms P41A.
Identifiers: ClinVar variation 241716 (VCV000241716.64), dbSNP rs143590990, ClinGen allele CA2600100.